The following is an entry in ClinVar:

ClinVar aggregate classification (germline): Uncertain significance (1 of 4 stars; one submission).

Allele frequency attached by ClinVar (database versions not stated): TOPMed below 0.00001.

Submission:

Labcorp Genetics (formerly Invitae), Labcorp
Classification: Uncertain significance. Last evaluated: 2022-03-11. Review status: criteria provided, single submitter. Criteria: Invitae Variant Classification Sherloc (09022015). Collection method: clinical testing. Allele origin: germline.
Comment: Algorithms developed to predict the effect of missense changes on protein structure and function are either unavailable or do not agree on the potential impact of this missense change (SIFT: "Deleterious"; PolyPhen-2: "Possibly Damaging"; Align-GVGD: "Class C0"). In summary, the available evidence is currently insufficient to determine the role of this variant in disease. Therefore, it has been classified as a Variant of Uncertain Significance. This variant has not been reported in the literature in individuals affected with EPRS-related conditions. This variant is not present in population databases (gnomAD no frequency). This sequence change replaces glutamic acid, which is acidic and polar, with lysine, which is basic and polar, at codon 324 of the EPRS protein (p.Glu324Lys).

NM_004446.3(EPRS1):c.970G>A (p.Glu324Lys)

Gene: EPRS1 (glutamyl-prolyl-tRNA synthetase 1; minus strand). Cytogenetic location: 1q41.
Variant type: single nucleotide variant.
Coding change: c.970G>A on transcript NM_004446.3 (MANE Select); coding-DNA position 970, G replaced by A.
Protein change: p.Glu324Lys; replaces glutamic acid 324 with lysine.
Molecular consequence: missense variant.
Genome position (GRCh38, 1-based): chr1:220,022,492, C>T on the plus strand (G>A on the coding strand, the complement: EPRS1 is on the minus strand). VCF-style: chr1-220022492-C-T. GRCh37 (hg19) VCF-style: chr1-220195834-C-T.
Other names: short protein forms E324K.
Identifiers: ClinVar variation 1680994 (VCV001680994.6), dbSNP rs1661896691, ClinGen allele CA344629516.